The following is an entry in ClinVar:

ClinVar aggregate classification (germline): Uncertain significance (1 of 4 stars; one submission).

gnomAD v4.1: 2 of 1,613,748 alleles (0.00012%); highest among the groups gnomAD compares: Admixed American, 0.0017%; no homozygotes.

Submission:

CeGaT Center for Human Genetics Tuebingen
Classification: Uncertain significance. Last evaluated: 2024-10-01. Review status: criteria provided, single submitter. Criteria: CeGaT Center For Human Genetics Tuebingen Variant Classification Criteria Version 2. Collection method: clinical testing. Allele origin: germline. Affected: yes. Observed: 1 variant allele.
Comment: ROCK1: PM2

NM_005406.3(ROCK1):c.2790G>T (p.Glu930Asp)

Gene: ROCK1 (Rho associated coiled-coil containing protein kinase 1; minus strand). Cytogenetic location: 18q11.1.
Variant type: single nucleotide variant.
Coding change: c.2790G>T on transcript NM_005406.3 (MANE Select); coding-DNA position 2790, G replaced by T.
Protein change: p.Glu930Asp; replaces glutamic acid 930 with aspartic acid.
Molecular consequence: missense variant.
Genome position (GRCh38, 1-based): chr18:20,970,378, C>A on the plus strand (G>T on the coding strand, the complement: ROCK1 is on the minus strand). VCF-style: chr18-20970378-C-A. GRCh37 (hg19) VCF-style: chr18-18550339-C-A.
Other names: short protein forms E930D.
Identifiers: ClinVar variation 3388354 (VCV003388354.14).